The following is an entry in ClinVar:

NM_000834.5(GRIN2B):c.1619G>A (p.Arg540His)

Gene: GRIN2B (glutamate ionotropic receptor NMDA type subunit 2B; minus strand). Cytogenetic location: 12p13.1.
Variant type: single nucleotide variant.
Coding change: c.1619G>A on transcript NM_000834.5 (MANE Select); coding-DNA position 1619, G replaced by A.
Protein change: p.Arg540His; replaces arginine 540 with histidine.
Molecular consequence: missense variant.
Genome position (GRCh38, 1-based): chr12:13,615,149, C>T on the plus strand (G>A on the coding strand, the complement: GRIN2B is on the minus strand). VCF-style: chr12-13615149-C-T. GRCh37 (hg19) VCF-style: chr12-13768083-C-T.
Other names: short protein forms R540H.
Identifiers: ClinVar variation 162087 (VCV000162087.12), dbSNP rs672601378, ClinGen allele CA174970.

ClinVar aggregate classification (germline): Pathogenic/Likely pathogenic. Review status: criteria provided, multiple submitters, no conflicts (2 of 4 stars). 6 submissions from 6 submitters: Pathogenic (1); Likely pathogenic (4). 1 of the submissions does not count toward it. Last evaluated 2025-07-29.

Conditions:
Inborn genetic diseases. Identifiers: MedGen C0950123, MeSH D030342.
Intellectual developmental disorder, autosomal dominant 6, with or without seizures. Also called: GRIN2B-related developmental delay, intellectual disability and autism spectrum disorder; Intellectual disability, autosomal dominant 6. Identifiers: Orphanet 589547, MedGen C3151411, MONDO:0013509, OMIM 613970.
Developmental and epileptic encephalopathy, 27 (DEE27). Also called: Epileptic encephalopathy, early infantile, 27; GRIN2B-Related Neurodevelopmental Disorder. Identifiers: Orphanet 3451, MedGen C4015316, MONDO:0014505, OMIM 616139.
Intellectual disability. Also called: Intellectual functioning disability; intellectual disabilities; Intellectual developmental disorder. Identifiers: MedGen C3714756, MeSH D008607, MONDO:0001071, HP:0001249.

Submissions (6):

GeneDx
Classification: Pathogenic. Last evaluated: 2025-07-29. Review status: criteria provided, single submitter. Criteria: GeneDx Variant Classification Process June 2021. Collection method: clinical testing. Allele origin: germline. Affected: yes.
Comment: Published functional studies demonstrate a damaging effect (PMID: 27839871, 24272827, 35741674); Not observed at significant frequency in large population cohorts (gnomAD); In silico analysis supports that this missense variant has a deleterious effect on protein structure/function; This variant is associated with the following publications: (PMID: 33796003, 28533163, 24272827, 33004838, 28377535, 35741674, 36704660, 37369021, 27839871, 34145886, 34615535)

Ambry Genetics
Classification: Likely pathogenic for Inborn genetic diseases. Last evaluated: 2020-11-23. Review status: criteria provided, single submitter. Criteria: Ambry Variant Classification Scheme 2023. Collection method: clinical testing. Allele origin: germline.
Comment: The c.1619G>A (p.R540H) alteration is located in exon 7 (coding exon 6) of the GRIN2B gene. This alteration results from a G to A substitution at nucleotide position 1619, causing the arginine (R) at amino acid position 540 to be replaced by a histidine (H). Based on data from the Genome Aggregation Database (gnomAD), the GRIN2B c.1619G>A alteration was not observed, with coverage at this position. This variant was reported as de novo in multiple individuals with intellectual disability and seizures (Lemke, 2014; Platzer, 2017). This missense alteration is located in a region that has a low rate of benign missense variation (Lek, 2016; Firth, 2009). The p.R540H alteration is predicted to be deleterious by in silico analysis. Based on the available evidence, this alteration is classified as likely pathogenic.

Diagnostic Laboratory, Strasbourg University Hospital
Classification: Likely pathogenic for Intellectual disability. Last evaluated: 2020-09-10. Review status: criteria provided, single submitter. Criteria: ACMG Guidelines, 2015. Collection method: clinical testing. Allele origin: de novo. Affected: yes. Observed: 1 heterozygote.

Institute of Human Genetics, University of Leipzig Medical Center
Classification: Likely pathogenic for Intellectual developmental disorder, autosomal dominant 6, with or without seizures. Last evaluated: 2017-04-04. Review status: criteria provided, single submitter. Criteria: ACMG Guidelines, 2015. Collection method: clinical testing. Allele origin: de novo. Affected: yes.
Comment: This variant was identified as de novo (maternity and paternity confirmed).

Juno Genomics, Hangzhou Juno Genomics, Inc
Classification: Likely pathogenic for Developmental and epileptic encephalopathy, 27; Intellectual developmental disorder, autosomal dominant 6, with or without seizures. Review status: criteria provided, single submitter. Criteria: ACMG Guidelines, 2015. Collection method: clinical testing. Allele origin: germline. Affected: yes.
Comment: Absent from controls (or at extremely low frequency if recessive) in Genome Aggregation Database, Exome Sequencing Project, 1000 Genomes Project, or Exome Aggregation Consortium.;Missense variant in a gene that has a low rate of benign missense variation and where missense variants are a common mechanism of disease.;Well-established in vitro or in vivo functional studies supportive of a damaging effect on the gene or gene product.;Located in a mutational hot spot and/or critical and well-established functional domain (e.g. active site of an enzyme) without benign variation.;Assumed de novo, but without confirmation of paternity and maternity.;The prevalence of the variant in affected individuals is significantly increased compared to the prevalence in controls.

OMIM
Classification: Pathogenic for INTELLECTUAL DEVELOPMENTAL DISORDER, AUTOSOMAL DOMINANT 6, WITH SEIZURES. Last evaluated: 2014-01-01. Review status: no assertion criteria provided. Collection method: literature only. Allele origin: germline. Not counted in ClinVar's aggregate classification.

Literature cited by the submitters: PubMed 24272827 (cited by Ambry Genetics and OMIM); PubMed 28377535 (cited by Ambry Genetics and Institute of Human Genetics, University of Leipzig Medical Center).